The following is an entry in ClinVar:

NM_006206.6(PDGFRA):c.319A>T (p.Thr107Ser)

Gene: PDGFRA (platelet derived growth factor receptor alpha; plus strand). Cytogenetic location: 4q12.
Variant type: single nucleotide variant.
Coding change: c.319A>T on transcript NM_006206.6 (MANE Select); coding-DNA position 319, A replaced by T.
Protein change: p.Thr107Ser; replaces threonine 107 with serine.
Molecular consequence: missense variant.
Genome position (GRCh38, 1-based): chr4:54,261,364, A>T. VCF-style: chr4-54261364-A-T. GRCh37 (hg19) VCF-style: chr4-55127531-A-T.
Other names: c.319A>T, p.Thr107Ser (NM_001347827.2, NM_001347829.2); c.394A>T, p.Thr132Ser (NM_001347828.2); c.358A>T, p.Thr120Ser (NM_001347830.2); short protein forms T107S, T120S, T132S.
Identifiers: ClinVar variation 1037490 (VCV001037490.9), dbSNP rs1722704869, ClinGen allele CA356888935.

ClinVar aggregate classification (germline): Uncertain significance (1 of 4 stars; one submission).

Conditions:
Gastrointestinal stromal tumor. Also called: Gastrointestinal stromal tumor, somatic; Gastrointestinal stroma tumor. Identifiers: Orphanet 44890, MedGen C0238198, MeSH D046152, MONDO:0011719, OMIM 606764, HP:0100723.

Submission:

Labcorp Genetics (formerly Invitae), Labcorp
Classification: Uncertain significance for Gastrointestinal stromal tumor. Last evaluated: 2020-03-04. Review status: criteria provided, single submitter. Criteria: Invitae Variant Classification Sherloc (09022015). Collection method: clinical testing. Allele origin: germline.
Comment: This sequence change replaces threonine with serine at codon 107 of the PDGFRA protein (p.Thr107Ser). The threonine residue is moderately conserved and there is a small physicochemical difference between threonine and serine. In summary, the available evidence is currently insufficient to determine the role of this variant in disease. Therefore, it has been classified as a Variant of Uncertain Significance. Algorithms developed to predict the effect of missense changes on protein structure and function (SIFT, PolyPhen-2, Align-GVGD) all suggest that this variant is likely to be tolerated, but these predictions have not been confirmed by published functional studies and their clinical significance is uncertain. This variant has not been reported in the literature in individuals with PDGFRA-related conditions. This variant is not present in population databases (ExAC no frequency).